The following is an entry in ClinVar:

NM_001372106.1(DNAH10):c.6940C>T (p.Leu2314=)

Gene: DNAH10 (dynein axonemal heavy chain 10; plus strand). Cytogenetic location: 12q24.31.
Variant type: single nucleotide variant.
Coding change: c.6940C>T on transcript NM_001372106.1 (MANE Select); coding-DNA position 6940, C replaced by T.
Protein change: p.Leu2314=; no amino-acid change (leucine 2314 retained).
Molecular consequence: synonymous variant.
Genome position (GRCh38, 1-based): chr12:123,864,626, C>T. VCF-style: chr12-123864626-C-T. GRCh37 (hg19) VCF-style: chr12-124349173-C-T.
Other names: c.6586C>T, p.Leu2196= (NM_001083900.1, NM_207437.3).
Identifiers: ClinVar variation 3034424 (VCV003034424.2), dbSNP rs773625569, ClinGen allele CA6864374.

ClinVar aggregate classification (germline): Likely benign (0 of 4 stars; one submission).

Conditions:
DNAH10-related disorder. Also called: DNAH10-related condition.

Allele frequency attached by ClinVar (database versions not stated): ExAC 0.00003; gnomAD 0.00003; TOPMed 0.00003.
gnomAD v4.1: 109 of 1,613,836 alleles (0.0068%); highest among the groups gnomAD compares: Non-Finnish European, 0.0086%; no homozygotes.

Submission:

PreventionGenetics, part of Exact Sciences
Classification: Likely benign for DNAH10-related condition. Last evaluated: 2019-06-17. Review status: no assertion criteria provided. Collection method: clinical testing. Allele origin: germline.
Comment: This variant is classified as likely benign based on ACMG/AMP sequence variant interpretation guidelines (Richards et al. 2015 PMID: 25741868, with internal and published modifications).